The following is an entry in ClinVar:

NM_001286.5(CLCN6):c.1205T>C (p.Met402Thr)

Gene: CLCN6 (chloride voltage-gated channel 6; plus strand). Cytogenetic location: 1p36.22.
Variant type: single nucleotide variant.
Coding change: c.1205T>C on transcript NM_001286.5 (MANE Select); coding-DNA position 1205, T replaced by C.
Protein change: p.Met402Thr; replaces methionine 402 with threonine.
Molecular consequence: missense variant. On other transcripts: non-coding transcript variant (1).
Genome position (GRCh38, 1-based): chr1:11,829,279, T>C. VCF-style: chr1-11829279-T-C. GRCh37 (hg19) VCF-style: chr1-11889336-T-C.
Other names: c.1139T>C, p.Met380Thr (NM_001256959.2); short protein forms M380T, M402T.
Identifiers: ClinVar variation 2059192 (VCV002059192.4), dbSNP rs2523133237, ClinGen allele CA338432027.
Genomic context (GRCh38, chr1:11,829,279, plus strand): 5'-CTCTGGTAACCACCGTGGTGGTGTTTGTGGCCTCGATGGTGTTAGGAGAATGCCGACAGA[T>C]GTCCTCTTCGAGTCAAATCGGTAATGACTCATTCCAGCTCCAGGTAACCCCAGTGCACCT-3'
Protein context (NP_001277.2, residues 392-412): ASMVLGECRQ[Met402Thr]SSSSQIGNDS

ClinVar aggregate classification (germline): Uncertain significance (1 of 4 stars; one submission).

Allele frequency attached by ClinVar (database versions not stated): gnomAD exomes below 0.00001.
gnomAD v4.1: 2 of 1,614,190 alleles (0.00012%); highest among the groups gnomAD compares: Non-Finnish European, 0.00017%; no homozygotes.

Submission:

Labcorp Genetics (formerly Invitae), Labcorp
Classification: Uncertain significance. Last evaluated: 2021-12-24. Review status: criteria provided, single submitter. Criteria: Invitae Variant Classification Sherloc (09022015). Collection method: clinical testing. Allele origin: germline.
Comment: In summary, the available evidence is currently insufficient to determine the role of this variant in disease. Therefore, it has been classified as a Variant of Uncertain Significance. Algorithms developed to predict the effect of missense changes on protein structure and function are either unavailable or do not agree on the potential impact of this missense change (SIFT: "Deleterious"; PolyPhen-2: "Benign"; Align-GVGD: "Class C25"). This variant has not been reported in the literature in individuals affected with CLCN6-related conditions. This variant is not present in population databases (gnomAD no frequency). This sequence change replaces methionine, which is neutral and non-polar, with threonine, which is neutral and polar, at codon 402 of the CLCN6 protein (p.Met402Thr).